The following is an entry in ClinVar:

ClinVar aggregate classification (germline): Uncertain significance (1 of 4 stars; one submission).

Conditions:
Combined immunodeficiency due to OX40 deficiency. Also called: OX40 DEFICIENCY; Immunodeficiency 16. Identifiers: Orphanet 431149, MedGen C3810053, MONDO:0014268, OMIM 615593.

Allele frequency attached by ClinVar (database versions not stated): gnomAD 0.00001; gnomAD exomes 0.00001; TOPMed 0.00001.

Submission:

Labcorp Genetics (formerly Invitae), Labcorp
Classification: Uncertain significance for Combined immunodeficiency due to OX40 deficiency. Last evaluated: 2024-10-28. Review status: criteria provided, single submitter. Criteria: Invitae Variant Classification Sherloc (09022015). Collection method: clinical testing. Allele origin: germline.
Comment: This sequence change falls in intron 2 of the TNFRSF4 gene. It does not directly change the encoded amino acid sequence of the TNFRSF4 protein. It affects a nucleotide within the consensus splice site. The frequency data for this variant in the population databases is considered unreliable, as metrics indicate poor data quality at this position in the gnomAD database. This variant has not been reported in the literature in individuals affected with TNFRSF4-related conditions. ClinVar contains an entry for this variant (Variation ID: 2041090). Variants that disrupt the consensus splice site are a relatively common cause of aberrant splicing (PMID: 17576681, 9536098). Algorithms developed to predict the effect of sequence changes on RNA splicing suggest that this variant is not likely to affect RNA splicing. In summary, the available evidence is currently insufficient to determine the role of this variant in disease. Therefore, it has been classified as a Variant of Uncertain Significance.

Literature cited by the submitters: PubMed 17576681; PubMed 9536098.

NM_003327.4(TNFRSF4):c.269-3C>T

Gene: TNFRSF4 (TNF receptor superfamily member 4; minus strand). Cytogenetic location: 1p36.33.
Variant type: single nucleotide variant.
Coding change: c.269-3C>T on transcript NM_003327.4 (MANE Select); 3 bases into the intron before coding-DNA position 269, C replaced by T.
Molecular consequence: intron variant.
Genome position (GRCh38, 1-based): chr1:1,213,096, G>A on the plus strand (C>T on the coding strand, the complement: TNFRSF4 is on the minus strand). VCF-style: chr1-1213096-G-A. GRCh37 (hg19) VCF-style: chr1-1148476-G-A.
Identifiers: ClinVar variation 2041090 (VCV002041090.4), dbSNP rs1312160505, ClinGen allele CA520599124.
Genomic context (GRCh38, chr1:1,213,096, plus strand): 5'-CAGCGGCAGACTGTGTCCTGTGTGGCCGTGCACAGCTGCTTCCGCTCACTCCCACTTCCT[G>A]AGCAGGGGCCGGATGGGGGGGTGGTCAGGTGGGGGCTGTGGACAGGGTCCTCAGGAAGCG-3'